The following is an entry in ClinVar:

ClinVar aggregate classification (germline): Likely benign (1 of 4 stars; one submission).

Allele frequency attached by ClinVar (database versions not stated): gnomAD exomes below 0.00001; ExAC 0.00001.
gnomAD v4.1: 2 of 1,212,249 alleles (0.00016%); highest among the groups gnomAD compares: South Asian, 0.0035%; no homozygotes.

Submission:

CeGaT Center for Human Genetics Tuebingen
Classification: Likely benign. Last evaluated: 2022-07-01. Review status: criteria provided, single submitter. Criteria: CeGaT Center For Human Genetics Tuebingen Variant Classification Criteria Version 2. Collection method: clinical testing. Allele origin: germline. Affected: yes. Observed: 1 variant allele.
Comment: TCEAL2: BP4, BP7

NM_080390.4(TCEAL2):c.123A>G (p.Leu41=)

Gene: TCEAL2 (transcription elongation factor A like 2; plus strand). Cytogenetic location: Xq22.1.
Variant type: single nucleotide variant.
Coding change: c.123A>G on transcript NM_080390.4 (MANE Select); coding-DNA position 123, A replaced by G.
Protein change: p.Leu41=; no amino-acid change (leucine 41 retained).
Molecular consequence: synonymous variant.
Genome position (GRCh38, 1-based): chrX:102,126,953, A>G. VCF-style: chrX-102126953-A-G. GRCh37 (hg19) VCF-style: chrX-101381925-A-G.
Identifiers: ClinVar variation 2661075 (VCV002661075.24), dbSNP rs769485073, ClinGen allele CA10475094.